The following is an entry in ClinVar:

NM_032578.4(MYPN):c.79C>G (p.Arg27Gly)

Gene: MYPN (myopalladin; plus strand). Cytogenetic location: 10q21.3.
Variant type: single nucleotide variant.
Coding change: c.79C>G on transcript NM_032578.4 (MANE Select); coding-DNA position 79, C replaced by G.
Protein change: p.Arg27Gly; replaces arginine 27 with glycine.
Molecular consequence: missense variant. On other transcripts: 5 prime UTR variant (1), non-coding transcript variant (1).
Genome position (GRCh38, 1-based): chr10:68,121,517, C>G. VCF-style: chr10-68121517-C-G. GRCh37 (hg19) VCF-style: chr10-69881274-C-G.
Other names: c.79C>G, p.Arg27Gly (NM_001256267.2); c.-1044C>G (NM_001256268.2); short protein forms R27G.
Identifiers: ClinVar variation 859329 (VCV000859329.9), dbSNP rs754754810, ClinGen allele CA5522215.

ClinVar aggregate classification (germline): Uncertain significance (1 of 4 stars; one submission).

Conditions:
Dilated cardiomyopathy 1KK (CMD1KK). Identifiers: Orphanet 154, Orphanet 75249, MedGen C3714995, MONDO:0014100, OMIM 615248.

Allele frequency attached by ClinVar (database versions not stated): gnomAD 0.00001; TOPMed 0.00001.
gnomAD v4.1: 3 of 1,614,048 alleles (0.00019%); highest among the groups gnomAD compares: South Asian, 0.0022%; no homozygotes.

Submission:

Labcorp Genetics (formerly Invitae), Labcorp
Classification: Uncertain significance for Dilated cardiomyopathy 1KK. Last evaluated: 2024-03-05. Review status: criteria provided, single submitter. Criteria: Invitae Variant Classification Sherloc (09022015). Collection method: clinical testing. Allele origin: germline.
Comment: This sequence change replaces arginine, which is basic and polar, with glycine, which is neutral and non-polar, at codon 27 of the MYPN protein (p.Arg27Gly). This variant is present in population databases (rs754754810, gnomAD 0.01%). This variant has not been reported in the literature in individuals affected with MYPN-related conditions. ClinVar contains an entry for this variant (Variation ID: 859329). An algorithm developed to predict the effect of missense changes on protein structure and function (PolyPhen-2) suggests that this variant is likely to be tolerated. In summary, the available evidence is currently insufficient to determine the role of this variant in disease. Therefore, it has been classified as a Variant of Uncertain Significance.